The following is an entry in ClinVar:

NM_152296.5(ATP1A3):c.262G>A (p.Gly88Arg)

Gene: ATP1A3 (ATPase Na+/K+ transporting subunit alpha 3; minus strand). Cytogenetic location: 19q13.2.
Variant type: single nucleotide variant.
Coding change: c.262G>A on transcript NM_152296.5 (MANE Select); coding-DNA position 262, G replaced by A.
Protein change: p.Gly88Arg; replaces glycine 88 with arginine.
Molecular consequence: missense variant.
Genome position (GRCh38, 1-based): chr19:41,988,031, C>T on the plus strand (G>A on the coding strand, the complement: ATP1A3 is on the minus strand). VCF-style: chr19-41988031-C-T. GRCh37 (hg19) VCF-style: chr19-42492183-C-T.
Other names: c.295G>A, p.Gly99Arg (NM_001256213.2); c.301G>A, p.Gly101Arg (NM_001256214.2); short protein forms G88R, G99R, G101R.
Identifiers: ClinVar variation 2764407 (VCV002764407.3), dbSNP rs2075302447, ClinGen allele CA406056470.

ClinVar aggregate classification (germline): Uncertain significance (1 of 4 stars; one submission).

Conditions:
Dystonia 12 (DYT12). Also called: DYT-ATP1A3; Rapid-Onset Dystonia-Parkinsonism (RDP). Identifiers: Orphanet 71517, MedGen C1868681, MONDO:0007496, OMIM 128235.

Allele frequency attached by ClinVar (database versions not stated): gnomAD exomes below 0.00001.
gnomAD v4.1: 2 of 1,614,108 alleles (0.00012%); highest among the groups gnomAD compares: Non-Finnish European, 0.00017%; no homozygotes.

Submission:

Labcorp Genetics (formerly Invitae), Labcorp
Classification: Uncertain significance for Dystonia 12. Last evaluated: 2023-10-04. Review status: criteria provided, single submitter. Criteria: Invitae Variant Classification Sherloc (09022015). Collection method: clinical testing. Allele origin: germline.
Comment: This sequence change replaces glycine, which is neutral and non-polar, with arginine, which is basic and polar, at codon 88 of the ATP1A3 protein (p.Gly88Arg). This variant is not present in population databases (gnomAD no frequency). This variant has not been reported in the literature in individuals affected with ATP1A3-related conditions. Advanced modeling of protein sequence and biophysical properties (such as structural, functional, and spatial information, amino acid conservation, physicochemical variation, residue mobility, and thermodynamic stability) performed at Invitae indicates that this missense variant is expected to disrupt ATP1A3 protein function. In summary, the available evidence is currently insufficient to determine the role of this variant in disease. Therefore, it has been classified as a Variant of Uncertain Significance.